The following is an entry in ClinVar:

ClinVar aggregate classification (germline): Likely pathogenic (1 of 4 stars; one submission).

Conditions:
Retinitis pigmentosa 12 (RP12). Also called: RP WITH OR WITHOUT PRESERVED PARAARTERIOLE RETINAL PIGMENT EPITHELIUM; RETINITIS PIGMENTOSA WITH OR WITHOUT PARAARTERIOLAR PRESERVATION OF RETINAL PIGMENT EPITHELIUM; RP WITH OR WITHOUT PPRPE. Identifiers: Orphanet 791, MedGen C1838647, MONDO:0010818, OMIM 600105.
Leber congenital amaurosis 8 (LCA8). Identifiers: Orphanet 65, MedGen C3151202, MONDO:0013453, OMIM 613835.

Submission:

First Genomix Gene Laboratory, Genetic Diagnostics Department
Classification: Likely pathogenic for Leber congenital amaurosis 8; Retinitis pigmentosa 12. Last evaluated: 2025-09-15. Review status: criteria provided, single submitter. Criteria: ACMG Guidelines, 2015. Collection method: clinical testing. Allele origin: germline. Inheritance: Autosomal recessive inheritance. Affected: no. Observed: 1 variant allele.

NM_201253.3(CRB1):c.2871_2872del (p.Ser958fs)

Gene: CRB1 (crumbs cell polarity complex component 1; plus strand). Cytogenetic location: 1q31.3.
Variant type: Deletion.
Coding change: c.2871_2872del on transcript NM_201253.3 (MANE Select); coding-DNA positions 2871 to 2872, 2 bases deleted (AA; older notation c.2871_2872delAA).
Protein change: p.Ser958fs; shifts the reading frame from serine 958.
Molecular consequence: frameshift variant. On other transcripts: non-coding transcript variant (2), intron variant (1).
Genome position (GRCh38, 1-based): chr1:197,434,734-197,434,735, AA deleted; deleting any 2 consecutive bases within chr1:197,434,733-197,434,735 gives the same sequence; the c. name uses the placement nearest the transcript's 3' end. VCF-style (leftmost placement, unchanged base first): chr1-197434732-CAA-C. GRCh37 (hg19) VCF-style: chr1-197403862-CAA-C.
Other names: c.2535_2536del, p.Ser846fs (NM_001193640.2); c.2799_2800del, p.Ser934fs (NM_001257965.2); c.2129-866_2129-865del (NM_001257966.2); short protein forms S846fs, S934fs, S958fs.
Identifiers: ClinVar variation 4850311 (VCV004850311.1).